The following is an entry in ClinVar:

ClinVar aggregate classification (germline): Uncertain significance. Review status: criteria provided, multiple submitters, no conflicts (2 of 4 stars). 2 submissions from 2 submitters: Uncertain significance (2). Last evaluated 2023-12-13.

Conditions:
Loeys-Dietz syndrome (LDS). Identifiers: Orphanet 60030, MedGen C2697932, MONDO:0018954.

Submissions (2):

All of Us Research Program, National Institutes of Health
Classification: Uncertain significance for Loeys-Dietz syndrome. Last evaluated: 2023-12-13. Review status: criteria provided, single submitter. Criteria: ACMG Guidelines, 2015. Collection method: clinical testing. Allele origin: germline. Inheritance: Autosomal dominant inheritance. Observed: 1 variant allele, 1 heterozygote.
Comment: This variant causes a C to A nucleotide substitution at the -3 position of intron 7 of the TGFBR1 gene. To our knowledge, functional studies have not been reported for this variant. This variant has not been reported in individuals affected with TGFBR1-related disorders in the literature. This variant has not been identified in the general population by the Genome Aggregation Database (gnomAD). The available evidence is insufficient to determine the role of this variant in disease conclusively. Therefore, this variant is classified as a Variant of Uncertain Significance.

This study involves interpretation of variants in research participants for the purpose of population health screening. Participant phenotype was not available at the time of variant classification. Additional details can be found in publication PMID: 35346344, PMCID: PMC8962531

Mayo Clinic Laboratories, Mayo Clinic
Classification: Uncertain significance. Last evaluated: 2020-06-16. Review status: criteria provided, single submitter. Criteria: ACMG Guidelines, 2015. Collection method: clinical testing. Allele origin: germline. Observed: 1 variant allele.

NM_004612.4(TGFBR1):c.1256-3C>A

Gene: TGFBR1 (transforming growth factor beta receptor 1; plus strand). Cytogenetic location: 9q22.33.
Variant type: single nucleotide variant.
Coding change: c.1256-3C>A on transcript NM_004612.4 (MANE Select); 3 bases into the intron before coding-DNA position 1256, C replaced by A.
Molecular consequence: intron variant.
Genome position (GRCh38, 1-based): chr9:99,147,651, C>A. VCF-style: chr9-99147651-C-A. GRCh37 (hg19) VCF-style: chr9-101909933-C-A.
Other names: c.1268-3C>A (NM_001306210.2); c.1025-3C>A (NM_001130916.3).
Identifiers: ClinVar variation 1163502 (VCV001163502.6), dbSNP rs755431191, ClinGen allele CA2499220113.